The following is an entry in ClinVar:

NM_004304.5(ALK):c.3824G>A (p.Arg1275Gln)

Gene: ALK (ALK receptor tyrosine kinase; minus strand). Cytogenetic location: 2p23.2.
Variant type: single nucleotide variant.
Coding change: c.3824G>A on transcript NM_004304.5 (MANE Select); coding-DNA position 3824, G replaced by A.
Protein change: p.Arg1275Gln; replaces arginine 1275 with glutamine.
Molecular consequence: missense variant.
Genome position (GRCh38, 1-based): chr2:29,209,798, C>T on the plus strand (G>A on the coding strand, the complement: ALK is on the minus strand). VCF-style: chr2-29209798-C-T. GRCh37 (hg19) VCF-style: chr2-29432664-C-T.
Other names: c.620G>A, p.Arg207Gln (NM_001353765.2); short protein forms R1275Q, R207Q.
Identifiers: ClinVar variation 18083 (VCV000018083.22), dbSNP rs113994087, ClinGen allele CA341482.

ClinVar aggregate classification (germline): Pathogenic. Review status: criteria provided, multiple submitters, no conflicts (2 of 4 stars). 9 submissions from 9 submitters: Pathogenic (6). 3 of the submissions do not count toward it. Last evaluated 2024-06-06.
ClinVar aggregate classification (somatic clinical impact): Tier I - Strong (1 of 4 stars; one submission).

Conditions:
Hereditary cancer-predisposing syndrome. Also called: Hereditary neoplastic syndrome; Neoplastic Syndromes, Hereditary; Tumor predisposition; Hereditary Cancer Syndrome. Identifiers: Orphanet 140162, MedGen C0027672, MeSH D009386, MONDO:0015356.
Neuroblastoma, susceptibility to, 3. Also called: ALK-Related Neuroblastic Tumor Susceptibility. Identifiers: Orphanet 635, MedGen C2751681, MONDO:0013083, OMIM 613014.
Neuroblastoma (NB). Identifiers: Orphanet 635, MedGen C0027819, MeSH D009447, MONDO:0005072, HP:0003006.

Submissions (10):

Institute for Genomic Medicine (IGM) Clinical Laboratory, Nationwide Children's Hospital
Classification: Tier I - Strong for Neuroblastoma. Assertion type: diagnostic. Clinical significance: supports diagnosis. Last evaluated: 2025-05-15. Review status: criteria provided, single submitter. Criteria: AMP/ASCO/CAP Guidelines, 2017. Collection method: clinical testing. Allele origin: somatic. Affected: yes.
Comment: Variant has Tier I (strong) clinical significance as a diagnostic inclusion criterion in neuroblastoma, based on the following evidence: 1) Documented in one or more cancer databases (e.g., St. Jude Pecan, COSMIC, CIViC, OncoKB). 2) Appears in one or more well-established professional guidelines (e.g., World Health Organization [WHO]; National Comprehensive Cancer Network [NCCN]) as providing diagnostic, prognostic, or therapeutic information. 3) Information in the literature supports potential biologic effect of variant (PMIDs: 25517749, 27049722, 26829053, 18923523, 18923525). 4) Diagnostic for a specific tumor type/classification based on well-powered studies with expert-level consensus (Evidence Level B; PMIDs: 18923523, 23334666, 34250410, 28674118).

St. Jude Molecular Pathology, St. Jude Children's Research Hospital
Classification: Pathogenic for Neuroblastoma, susceptibility to, 3. Last evaluated: 2024-06-06. Review status: criteria provided, single submitter. Criteria: St. Jude Assertion Criteria 2020. Collection method: clinical testing. Allele origin: germline. Affected: yes.
Comment: The ALK c.3824G>A (p.Arg1275Gln) missense change is absent in gnomAD v2.1.1. The in silico tool REVEL predicts a deleterious effect on protein function and this is supported by functional studies (PMID: 18923525). This variant has been reported in multiple individuals with neuroblastoma (PMID: 18724359, 18923523, 22071890, 23334666, 30350464, internal data). In summary, this variant meets criteria to be classified as pathogenic.

Labcorp Genetics (formerly Invitae), Labcorp
Classification: Pathogenic for Neuroblastoma, susceptibility to, 3. Last evaluated: 2023-04-19. Review status: criteria provided, single submitter. Criteria: Invitae Variant Classification Sherloc (09022015). Collection method: clinical testing. Allele origin: germline.
Comment: For these reasons, this variant has been classified as Pathogenic. Experimental studies have shown that this missense change affects ALK function (PMID: 18923523, 18923525). An algorithm developed to predict the effect of missense changes on protein structure and function (PolyPhen-2) suggests that this variant is likely to be disruptive. ClinVar contains an entry for this variant (Variation ID: 18083). This missense change has been observed in individual(s) with neuroblastoma (PMID: 18724359, 18923523, 18923525, 29489754, 30350464; 18724359.). It has also been observed to segregate with disease in related individuals. This variant is not present in population databases (gnomAD no frequency). This sequence change replaces arginine, which is basic and polar, with glutamine, which is neutral and polar, at codon 1275 of the ALK protein (p.Arg1275Gln).

Laboratorio de Genetica e Diagnostico Molecular, Hospital Israelita Albert Einstein
Classification: Pathogenic for Neuroblastoma, susceptibility to, 3. Last evaluated: 2023-04-04. Review status: criteria provided, single submitter. Criteria: ACMG Guidelines, 2015. Collection method: clinical testing. Allele origin: germline. Affected: yes.
Comment: ACMG classification criteria: PS2 moderate, PS3 supporting, PS4 strong, PM2 moderate, PP1 supporting, PP3 supporting

Ambry Genetics
Classification: Pathogenic for Hereditary cancer-predisposing syndrome. Last evaluated: 2022-04-29. Review status: criteria provided, single submitter. Criteria: Ambry Variant Classification Scheme 2023. Collection method: clinical testing. Allele origin: germline.
Comment: The p.R1275Q pathogenic mutation (also known as c.3824G>A), located in coding exon 25 of the ALK gene, results from a G to A substitution at nucleotide position 3824. The arginine at codon 1275 is replaced by glutamine, an amino acid with highly similar properties. This variant has been detected in the germline of several unrelated families with neuroblastoma and confirmed de novo in at least one affected individual (Moss&eacute; YP et al. Nature, 2008 Oct;455:930-5, Janoueix-Lerosey I et al. Nature, 2008 Oct;455:967-70, Kudo K et al. Genes Chromosomes Cancer, 2018 12;57:665-669, Ambry internal data). In addition, this alteration has been shown to constitutively activate the ALK tyrosine kinase domain using a peptide phosphorylation assay (Bresler SC et al. Sci Transl Med, 2011 Nov;3:108ra114). Furthermore, this alteration was able to drive the transformation of NIH/3T3 cells in a transformation assay (Bresler SC et al. Cancer Cell, 2014 Nov;26:682-94). This amino acid position is highly conserved in available vertebrate species. In addition, this alteration is predicted to be deleterious by in silico analysis and is considered to be rare based on population cohorts in the Genome Aggregation Database (gnomAD). Based on the supporting evidence, this alteration is interpreted as a disease-causing mutation.

Department of Pediatrics, Memorial Sloan Kettering Cancer Center
Classification: Pathogenic for Neuroblastoma, susceptibility to, 3. Last evaluated: 2020-12-15. Review status: criteria provided, single submitter. Criteria: ACMG Guidelines, 2015. Collection method: research. Allele origin: germline. Affected: yes.

Institute of Medical Genetics and Applied Genomics, University Hospital Tübingen
Classification: Pathogenic. Last evaluated: 2020-10-23. Review status: criteria provided, single submitter. Criteria: ACMG Guidelines, 2015. Collection method: clinical testing. Allele origin: germline. Inheritance: Unknown mechanism. Affected: yes.

Genomic Diagnostic Laboratory, Division of Genomic Diagnostics, Children's Hospital of Philadelphia
Classification: Pathogenic for Neuroblastoma, susceptibility to, 3. Last evaluated: 2015-10-07. Review status: no assertion criteria provided. Collection method: clinical testing. Allele origin: somatic. Affected: yes. Observed: 19 variant alleles. Not counted in ClinVar's aggregate classification.
Comment: Clinical Testing

OMIM
Classification: risk factor for NEUROBLASTOMA, SUSCEPTIBILITY TO, 3. Last evaluated: 2012-03-01. Review status: no assertion criteria provided. Collection method: literature only. Allele origin: unknown. Not counted in ClinVar's aggregate classification.

GeneReviews
No classification provided. Condition: Neuroblastoma, susceptibility to, 3. Review status: no classification provided. Collection method: literature only. Allele origin: germline. Not counted in ClinVar's aggregate classification.

Literature cited by the submitters: PubMed 25517749 (cited by Institute for Genomic Medicine (IGM) Clinical Laboratory, Nationwide Children's Hospital and Ambry Genetics); PubMed 27049722 (cited by Institute for Genomic Medicine (IGM) Clinical Laboratory, Nationwide Children's Hospital); PubMed 26829053 (cited by Institute for Genomic Medicine (IGM) Clinical Laboratory, Nationwide Children's Hospital and Ambry Genetics); PubMed 18923523 (cited by 4 submitters); PubMed 18923525 (cited by 4 submitters); PubMed 23334666 (cited by Institute for Genomic Medicine (IGM) Clinical Laboratory, Nationwide Children's Hospital and Ambry Genetics); PubMed 34250410 (cited by Institute for Genomic Medicine (IGM) Clinical Laboratory, Nationwide Children's Hospital); PubMed 28674118 (cited by Institute for Genomic Medicine (IGM) Clinical Laboratory, Nationwide Children's Hospital); PubMed 18724359 (cited by 3 submitters); PubMed 29489754 (cited by Labcorp Genetics (formerly Invitae), Labcorp and Ambry Genetics); PubMed 30350464 (cited by Labcorp Genetics (formerly Invitae), Labcorp and Ambry Genetics); PubMed 22072639 (cited by Ambry Genetics); PubMed 22932897 (cited by Ambry Genetics); PubMed 30004444 (cited by Ambry Genetics); PubMed 30605844 (cited by Ambry Genetics); PubMed 28873162 (cited by Department of Pediatrics, Memorial Sloan Kettering Cancer Center); PubMed 18923524 (cited by OMIM); PubMed 22071890 (cited by OMIM); NCBI Bookshelf NBK24599 (cited by GeneReviews).